The following is an entry in ClinVar:

NM_000384.3(APOB):c.237+2T>C

Genes: APOB (apolipoprotein B; minus strand), LOC106560211 (APOB 5' regulatory region; plus strand). Cytogenetic location: 2p24.1.
Variant type: single nucleotide variant.
Coding change: c.237+2T>C on transcript NM_000384.3 (MANE Select); the canonical splice donor site of the intron after coding-DNA position 237, T replaced by C.
Molecular consequence: splice donor variant.
Genome position (GRCh38, 1-based): chr2:21,042,359, A>G on the plus strand (T>C on the coding strand, the complement: APOB is on the minus strand). VCF-style: chr2-21042359-A-G. GRCh37 (hg19) VCF-style: chr2-21265231-A-G.
Identifiers: ClinVar variation 3756925 (VCV003756925.2).

ClinVar aggregate classification (germline): Likely pathogenic (1 of 4 stars; one submission).

Conditions:
Familial hypobetalipoproteinemia 1. Also called: APOB-Related Familial Hypobetalipoproteinemia; Hypobetalipoproteinemia, normotriglyceridemic; Acanthocytosis with hypobetalipoproteinemia. Identifiers: MedGen C4551990, MONDO:0014252, OMIM 615558.
Hypercholesterolemia, autosomal dominant, type B (FHCL2). Also called: Familial Hypercholesterolemia Type B; APOLIPOPROTEIN B-100, FAMILIAL DEFECTIVE; APOLIPOPROTEIN B-100, FAMILIAL LIGAND-DEFECTIVE; HYPERCHOLESTEROLEMIA, FAMILIAL, DUE TO LIGAND-DEFECTIVE APOLIPOPROTEIN B; Hyperlipoproteinemia Type IIb; Familial hypercholesterolemia 2. Identifiers: MedGen C1704417, MONDO:0007751, OMIM 144010.

gnomAD v4.1: 1 of 1,611,202 alleles (0.000062%); highest among the groups gnomAD compares: South Asian, 0.0011%; no homozygotes.

Submission:

Labcorp Genetics (formerly Invitae), Labcorp
Classification: Likely pathogenic for Familial hypobetalipoproteinemia 1; Hypercholesterolemia, autosomal dominant, type B. Last evaluated: 2024-06-22. Review status: criteria provided, single submitter. Criteria: Invitae Variant Classification Sherloc (09022015). Collection method: clinical testing. Allele origin: germline.
Comment: This sequence change affects a donor splice site in intron 3 of the APOB gene. It is expected to disrupt RNA splicing. Variants that disrupt the donor or acceptor splice site typically lead to a loss of protein function (PMID: 16199547), and loss-of-function variants in APOB are known to be pathogenic (PMID: 20032471). This variant is not present in population databases (gnomAD no frequency). This variant has not been reported in the literature in individuals affected with APOB-related conditions. Algorithms developed to predict the effect of sequence changes on RNA splicing suggest that this variant may disrupt the consensus splice site. In summary, the currently available evidence indicates that the variant is pathogenic, but additional data are needed to prove that conclusively. Therefore, this variant has been classified as Likely Pathogenic.

Literature cited by the submitters: PubMed 16199547; PubMed 20032471.